The following is an entry in ClinVar:

NM_001318510.2(ACSL4):c.1316-2A>T

Gene: ACSL4 (acyl-CoA synthetase long chain family member 4; minus strand). Cytogenetic location: Xq23.
Variant type: single nucleotide variant.
Coding change: c.1316-2A>T on transcript NM_001318510.2 (MANE Select); the canonical splice acceptor site of the intron before coding-DNA position 1316, A replaced by T.
Molecular consequence: splice acceptor variant.
Genome position (GRCh38, 1-based): chrX:109,665,496, T>A on the plus strand (A>T on the coding strand, the complement: ACSL4 is on the minus strand). VCF-style: chrX-109665496-T-A. GRCh37 (hg19) VCF-style: chrX-108908725-T-A.
Other names: c.1316-2A>T (NM_004458.3); c.1439-2A>T (NM_001318509.2, NM_022977.3).
Identifiers: ClinVar variation 3901031 (VCV003901031.1).

ClinVar aggregate classification (germline): Uncertain significance (1 of 4 stars; one submission).

Conditions:
Intellectual developmental disorder, X-linked 63. Also called: MENTAL RETARDATION, X-LINKED 68; Intellectual disability, X-linked 63. Identifiers: Orphanet 777, MedGen C1845672, MONDO:0010313, OMIM 300387.

Submission:

Laboratorio de Genetica e Diagnostico Molecular, Hospital Israelita Albert Einstein
Classification: Uncertain significance for Intellectual developmental disorder, X-linked 63. Last evaluated: 2024-12-31. Review status: criteria provided, single submitter. Criteria: ACMG Guidelines, 2015. Collection method: clinical testing. Allele origin: germline. Affected: yes.
Comment: ACMG classification criteria: PVS1 moderate, PM2 supporting